The following is an entry in ClinVar:

ClinVar aggregate classification (germline): Uncertain significance (1 of 4 stars; one submission).

Conditions:
Rhabdoid tumor predisposition syndrome 2 (RTPS2). Identifiers: Orphanet 231108, Orphanet 69077, MedGen C2750074, MONDO:0013224, OMIM 613325.

Submission:

Labcorp Genetics (formerly Invitae), Labcorp
Classification: Uncertain significance for Rhabdoid tumor predisposition syndrome 2. Last evaluated: 2022-08-09. Review status: criteria provided, single submitter. Criteria: Invitae Variant Classification Sherloc (09022015). Collection method: clinical testing. Allele origin: germline.
Comment: In summary, the available evidence is currently insufficient to determine the role of this variant in disease. Therefore, it has been classified as a Variant of Uncertain Significance. This variant has not been reported in the literature in individuals affected with SMARCA4-related conditions. This variant results in a copy number gain of the genomic region encompassing exon(s) 14-36 of the SMARCA4 gene. This region includes the termination codon of the gene. This copy number gain extends beyond the assayed region for this gene and therefore may encompass additional genes. As the precise location of this event is unknown, it may be in tandem or it may be located elsewhere in the genome.

NC_000019.9:g.(?_11118568)_(11172492_?)dup

Gene: SMARCA4 (SWI/SNF related BAF chromatin remodeling complex subunit ATPase 4; plus strand). Cytogenetic location: 19p13.2.
Variant type: Duplication.
Identifiers: ClinVar variation 1439333 (VCV001439333.5).